The following is an entry in ClinVar:

NM_000533.5(PLP1):c.94T>C (p.Phe32Leu)

Genes: PLP1 (proteolipid protein 1; plus strand), RAB9B (RAB9B, member RAS oncogene family; minus strand). Cytogenetic location: Xq22.2.
Variant type: single nucleotide variant.
Coding change: c.94T>C on transcript NM_000533.5 (MANE Select); coding-DNA position 94, T replaced by C.
Protein change: p.Phe32Leu; replaces phenylalanine 32 with leucine.
Molecular consequence: missense variant. On other transcripts: intron variant (1).
Genome position (GRCh38, 1-based): chrX:103,785,671, T>C. VCF-style: chrX-103785671-T-C. GRCh37 (hg19) VCF-style: chrX-103040600-T-C.
Other names: c.94T>C, p.Phe32Leu (NM_001128834.3, NM_199478.3); c.5-76T>C (NM_001305004.1); short protein forms F32L.
Identifiers: ClinVar variation 3255463 (VCV003255463.3), dbSNP rs2522301325.
Genomic context (GRCh38, chrX:103,785,671, plus strand): 5'-GTAGGGGCCCCCTTTGCTTCCCTGGTGGCCACTGGATTGTGTTTCTTTGGGGTGGCACTG[T>C]TCTGTGGCTGTGGACATGAAGCCCTCACTGGCACAGAAAAGCTAATTGAGACCTATTTCT-3'
Protein context (NP_000524.3, residues 22-42): TGLCFFGVAL[Phe32Leu]CGCGHEALTG

ClinVar aggregate classification (germline): Likely pathogenic. Review status: criteria provided, multiple submitters, no conflicts (2 of 4 stars). 2 submissions from 2 submitters: Likely pathogenic (2). Last evaluated 2026-01-30.

Conditions:
Pelizaeus-Merzbacher disease. Also called: LEUKODYSTROPHY, HYPOMYELINATING, 1; Sudanophilic leukodystrophy; Pelizaeus-Merzbacher spectrum disorder; Pelizaeus-Merzbacher Disease (PMD); Pelizeaus-Merzbacher spectrum disorder. Identifiers: Orphanet 702, MedGen C0205711, MONDO:0010714, OMIM 312080, HP:0003269.

Submissions (2):

Women's Health and Genetics/Laboratory Corporation of America, LabCorp
Classification: Likely pathogenic for Pelizaeus-Merzbacher disease. Last evaluated: 2026-01-30. Review status: criteria provided, single submitter. Criteria: LabCorp Variant Classification Summary - May 2015. Collection method: clinical testing. Allele origin: germline.
Comment: Variant summary: PLP1 c.94T>C (p.Phe32Leu) results in a non-conservative amino acid change in the encoded protein sequence. Algorithms developed to predict the effect of missense changes on protein structure and function all suggest that this variant is likely to be disruptive. The variant was absent in 183415 control chromosomes (gnomAD). c.94T>C has been observed in individuals affected with Pelizaeus-Merzbacher disease, one of which was a de novo occurrence (. These data indicate that the variant may be associated with disease. To our knowledge, no experimental evidence demonstrating an impact on protein function has been reported. The following publication has been ascertained in the context of this evaluation (PMID: 35346287). ClinVar contains an entry for this variant (Variation ID: 3255463). Based on the evidence outlined above, the variant was classified as likely pathogenic.

Molecular Diagnostics Lab, Nemours Children's Health, Delaware
Classification: Likely pathogenic for Pelizaeus-Merzbacher disease. Last evaluated: 2022-02-25. Review status: criteria provided, single submitter. Criteria: ACMG Guidelines, 2015. Collection method: clinical testing. Allele origin: unknown. Inheritance: X-linked inheritance. Affected: yes. Observed: 2 hemizygotes. Clinical features observed: Nystagmus (HP:0000639), Hypotonia (HP:0001252), Global developmental delay (HP:0001263).
Comment: This missense variant (c.94T>C, p.Phe32Leu) has not been observed in population databases (gnomAD). It has been described in the literature (PMID 11093273, PMID 39451896, PMID 9106132). Variant prediction programs support a deleterious effect on the protein, but functional studies have not been reported.

Literature cited by the submitters: PubMed 35346287 (cited by Women's Health and Genetics/Laboratory Corporation of America, LabCorp); PubMed 11093273 (cited by Molecular Diagnostics Lab, Nemours Children's Health, Delaware); PubMed 29451896 (cited by Molecular Diagnostics Lab, Nemours Children's Health, Delaware); PubMed 9106132 (cited by Molecular Diagnostics Lab, Nemours Children's Health, Delaware).